The following is an entry in ClinVar:

ClinVar aggregate classification (germline): Uncertain significance (1 of 4 stars; one submission).

Conditions:
Martsolf syndrome (MARTS). Also called: Congenital cataract with intellectual disability and hypogonadotropic hypogonadism syndrome. Identifiers: Orphanet 1387, MedGen C0796037, MONDO:0023910.
Warburg micro syndrome 2 (WARBM2). Also called: MICRO SYNDROME 2. Identifiers: Orphanet 2510, MedGen C3280214, MONDO:0013641, OMIM 614225.

Submission:

Labcorp Genetics (formerly Invitae), Labcorp
Classification: Uncertain significance for Martsolf syndrome; Warburg micro syndrome 2. Last evaluated: 2018-08-07. Review status: criteria provided, single submitter. Criteria: Invitae Variant Classification Sherloc (09022015). Collection method: clinical testing. Allele origin: germline.
Comment: In summary, the available evidence is currently insufficient to determine the role of this variant in disease. Therefore, it has been classified as a Variant of Uncertain Significance. Algorithms developed to predict the effect of missense changes on protein structure and function are either unavailable or do not agree on the potential impact of this missense change (SIFT: "Tolerated"; PolyPhen-2: "Probably Damaging"; Align-GVGD: "Class C0"). This variant has not been reported in the literature in individuals with RAB3GAP2-related disease. This variant is not present in population databases (ExAC no frequency). This sequence change replaces glycine with aspartic acid at codon 937 of the RAB3GAP2 protein (p.Gly937Asp). The glycine residue is moderately conserved and there is a moderate physicochemical difference between glycine and aspartic acid.

NM_012414.4(RAB3GAP2):c.2810G>A (p.Gly937Asp)

Gene: RAB3GAP2 (RAB3 GTPase activating non-catalytic protein subunit 2; minus strand). Cytogenetic location: 1q41.
Variant type: single nucleotide variant.
Coding change: c.2810G>A on transcript NM_012414.4 (MANE Select); coding-DNA position 2810, G replaced by A.
Protein change: p.Gly937Asp; replaces glycine 937 with aspartic acid.
Molecular consequence: missense variant.
Genome position (GRCh38, 1-based): chr1:220,167,672, C>T on the plus strand (G>A on the coding strand, the complement: RAB3GAP2 is on the minus strand). VCF-style: chr1-220167672-C-T. GRCh37 (hg19) VCF-style: chr1-220341014-C-T.
Other names: short protein forms G937D.
Identifiers: ClinVar variation 643940 (VCV000643940.8), dbSNP rs150834670, ClinGen allele CA344637063.